The following is an entry in ClinVar:

NM_000548.5(TSC2):c.3682dup (p.Leu1228fs)

Gene: TSC2 (TSC complex subunit 2; plus strand). Cytogenetic location: 16p13.3.
Variant type: Duplication.
Coding change: c.3682dup on transcript NM_000548.5 (MANE Select); coding-DNA position 3682, one base duplicated (C; older notation c.3682dupC).
Protein change: p.Leu1228fs; shifts the reading frame from leucine 1228.
Molecular consequence: frameshift variant. On other transcripts: non-coding transcript variant (5).
Genome position (GRCh38, 1-based): chr16:2,081,666, C duplicated; the last of 4 consecutive C bases (chr16:2,081,663-2,081,666); duplicating any one gives the same sequence. VCF-style (leftmost placement, unchanged base first): chr16-2081662-G-GC. GRCh37 (hg19) VCF-style: chr16-2131663-G-GC.
Other names: c.3679dup, p.Leu1227fs (NM_001406664.1, NM_001406663.1); c.3550dup, p.Leu1184fs (NM_001406665.1, NM_001077183.3, NM_001370404.1); c.3643dup, p.Leu1215fs (NM_001406667.1); c.3640dup, p.Leu1214fs (NM_001406668.1); c.3571dup, p.Leu1191fs (NM_001406670.1); c.3541dup, p.Leu1181fs (NM_001406671.1); c.3538dup, p.Leu1180fs (NM_001406673.1); c.3535dup, p.Leu1179fs (NM_001406675.1); and 18 more; short protein forms L1136fs, L1147fs, L1180fs, L1184fs, L1185fs, L1227fs, L1028fs, L1031fs.
Identifiers: ClinVar variation 4294531 (VCV004294531.1).

ClinVar aggregate classification (germline): Pathogenic (1 of 4 stars; one submission).

Conditions:
Tuberous sclerosis 2 (TSC2). Identifiers: Orphanet 805, MedGen C1860707, MONDO:0013199, OMIM 613254.

Submission:

Molecular Genetics Department, Kulakov National Medical Research Center for Obstetrics, Gynecology and Perinatology
Classification: Pathogenic for Tuberous sclerosis 2. Review status: criteria provided, single submitter. Criteria: ACMG Guidelines, 2015. Collection method: clinical testing. Allele origin: de novo. Affected: yes. Observed: 1 variant allele.
Comment: A previously undescribed heterozygous nucleotide variant creates a frameshift p.Leu1228ProfsTer6 in the TSC2 gene. Heterozygous variants are reported in patients with tuberous sclerosis-2, 613254. The variant is not present in population database (gnomAD no frequency). Sanger sequencing revealed that the variant arose de novo (parentage confirmed). In summary, this variant has been classified as pathogenic.